The following is an entry in ClinVar:

ClinVar aggregate classification (germline): Uncertain significance (1 of 4 stars; one submission).

Conditions:
Inborn genetic diseases. Identifiers: MedGen C0950123, MeSH D030342.

Submission:

Ambry Genetics
Classification: Uncertain significance for Inborn genetic diseases. Last evaluated: 2025-11-18. Review status: criteria provided, single submitter. Criteria: Ambry Variant Classification Scheme 2023. Collection method: clinical testing. Allele origin: germline.
Comment: The p.H1659Q variant (also known as c.4977T>G), located in coding exon 20 of the FANCM gene, results from a T to G substitution at nucleotide position 4977. The histidine at codon 1659 is replaced by glutamine, an amino acid with highly similar properties. This amino acid position is conserved. In addition, this alteration is predicted to be tolerated by in silico analysis. Based on the available evidence, the clinical significance of this variant remains unclear.

NM_020937.4(FANCM):c.4977T>G (p.His1659Gln)

Gene: FANCM (FA complementation group M; plus strand). Cytogenetic location: 14q21.2.
Variant type: single nucleotide variant.
Coding change: c.4977T>G on transcript NM_020937.4 (MANE Select); coding-DNA position 4977, T replaced by G.
Protein change: p.His1659Gln; replaces histidine 1659 with glutamine.
Molecular consequence: missense variant.
Genome position (GRCh38, 1-based): chr14:45,188,999, T>G. VCF-style: chr14-45188999-T-G. GRCh37 (hg19) VCF-style: chr14-45658202-T-G.
Other names: c.4899T>G, p.His1633Gln (NM_001308133.2); short protein forms H1633Q, H1659Q.
Identifiers: ClinVar variation 4619594 (VCV004619594.1).